The following is an entry in ClinVar:

NM_052874.5(STX1B):c.773G>A (p.Ser258Asn)

Gene: STX1B (syntaxin 1B; minus strand). Cytogenetic location: 16p11.2.
Variant type: single nucleotide variant.
Coding change: c.773G>A on transcript NM_052874.5 (MANE Select); coding-DNA position 773, G replaced by A.
Protein change: p.Ser258Asn; replaces serine 258 with asparagine.
Molecular consequence: missense variant.
Genome position (GRCh38, 1-based): chr16:30,993,143, C>T on the plus strand (G>A on the coding strand, the complement: STX1B is on the minus strand). VCF-style: chr16-30993143-C-T. GRCh37 (hg19) VCF-style: chr16-31004464-C-T.
Other names: short protein forms S258N.
Identifiers: ClinVar variation 985016 (VCV000985016.11), dbSNP rs2056572447, ClinGen allele CA395646624.
Genomic context (GRCh38, chr16:30,993,143, plus strand): 5'-CAGCCTTGGGCTCCCCCGCCTACCCCCAGGCCGCCTGCCCCGCTCACCCTCCGGGCCTTG[C>T]TCTGATATTTCACTGCTTTCTTGGTGTCAGACACAGCTCGCTCCACGTAGTCCACAGAAT-3'
Protein context (NP_443106.1, residues 248-268): SDTKKAVKYQ[Ser258Asn]KARRKKIMII

ClinVar aggregate classification (germline): Uncertain significance. Review status: criteria provided, multiple submitters, no conflicts (2 of 4 stars). 2 submissions from 2 submitters: Uncertain significance (2). Last evaluated 2020-10-27.

Conditions:
Inborn genetic diseases. Identifiers: MedGen C0950123, MeSH D030342.
Generalized epilepsy with febrile seizures plus, type 9 (GEFSP9). Also called: GEFS+, TYPE 9. Identifiers: Orphanet 36387, MedGen C4015395, MONDO:0014517, OMIM 616172.

Submissions (2):

Labcorp Genetics (formerly Invitae), Labcorp
Classification: Uncertain significance for Generalized epilepsy with febrile seizures plus, type 9. Last evaluated: 2020-10-27. Review status: criteria provided, single submitter. Criteria: Invitae Variant Classification Sherloc (09022015). Collection method: clinical testing. Allele origin: germline.
Comment: This sequence change replaces serine with asparagine at codon 258 of the STX1B protein (p.Ser258Asn). The serine residue is highly conserved and there is a small physicochemical difference between serine and asparagine. This variant is not present in population databases (ExAC no frequency). In summary, the available evidence is currently insufficient to determine the role of this variant in disease. Therefore, it has been classified as a Variant of Uncertain Significance. Algorithms developed to predict the effect of missense changes on protein structure and function are either unavailable or do not agree on the potential impact of this missense change (SIFT: "Tolerated"; PolyPhen-2: "Possibly Damaging"; Align-GVGD: "Class C0"). This variant has been observed in individual(s) with developmental and epileptic encephalopathy (PMID: 30737342).

Ambry Genetics
Classification: Uncertain significance for Inborn genetic diseases. Last evaluated: 2016-02-10. Review status: criteria provided, single submitter. Criteria: Ambry exome assertion method (8-5-2015). Collection method: clinical testing. Allele origin: germline. Affected: yes. Observed: 1 variant allele.

Literature cited by the submitters: PubMed 30737342 (cited by Labcorp Genetics (formerly Invitae), Labcorp).